The following is an entry in ClinVar:

ClinVar aggregate classification (germline): Uncertain significance (1 of 4 stars; one submission).

Conditions:
Intellectual developmental disorder with short stature and behavioral abnormalities. Identifiers: MedGen C5231462, MONDO:0032870, OMIM 618687.

Allele frequency attached by ClinVar (database versions not stated): TOPMed 0.00014; gnomAD 0.00009; 1000 Genomes Project 30x 0.00031.
gnomAD v4.1: 13 of 148,658 alleles (0.0087%); highest among the groups gnomAD compares: Middle Eastern, 0.34%; no homozygotes.

Submission:

Department of Medical and Surgical Sciences, University of Bologna
Classification: Uncertain significance for Intellectual developmental disorder with short stature and behavioral abnormalities. Review status: criteria provided, single submitter. Criteria: ACMG Guidelines, 2015. Collection method: clinical testing. Allele origin: paternal. Inheritance: Autosomal recessive inheritance. Affected: yes. Observed: 1 compound heterozygote.
Comment: Extremely low frequency in gnomAD population databases (PM2).

NM_001376938.2(IQSEC1):c.212G>A (p.Gly71Asp)

Gene: IQSEC1 (IQ motif and Sec7 domain ArfGEF 1; minus strand). Cytogenetic location: 3p25.1.
Variant type: single nucleotide variant.
Coding change: c.212G>A on transcript NM_001376938.2; coding-DNA position 212, G replaced by A.
Protein change: p.Gly71Asp; replaces glycine 71 with aspartic acid.
Molecular consequence: missense variant.
Genome position (GRCh38, 1-based): chr3:13,282,771, C>T on the plus strand (G>A on the coding strand, the complement: IQSEC1 is on the minus strand). VCF-style: chr3-13282771-C-T. GRCh37 (hg19) VCF-style: chr3-13324271-C-T.
Other names: short protein forms G71D.
Identifiers: ClinVar variation 2692364 (VCV002692364.1), dbSNP rs1037640111, ClinGen allele CA69649826.
Genomic context (GRCh38, chr3:13,282,771, plus strand): 5'-TTGTCGCGGCGGCCGCCGAGCTCCGGGATGGCGCCGAGCGGCTGCGGGCCGGGGCCGGGG[C>T]CCGGGTCGGGGCGGCGGGCGCACGCGGCCAGGTGTCGCCGGTGTCGCTCCAGCAGGCCGG-3'